The following is an entry in ClinVar:

NM_206926.2(SELENON):c.875T>G (p.Val292Gly)

Gene: SELENON (selenoprotein N; plus strand). Cytogenetic location: 1p36.11.
Variant type: single nucleotide variant.
Coding change: c.875T>G on transcript NM_206926.2 (MANE Select); coding-DNA position 875, T replaced by G.
Protein change: p.Val292Gly; replaces valine 292 with glycine.
Molecular consequence: missense variant.
Genome position (GRCh38, 1-based): chr1:25,809,787, T>G. VCF-style: chr1-25809787-T-G. GRCh37 (hg19) VCF-style: chr1-26136278-T-G.
Other names: c.977T>G, p.Val326Gly (NM_020451.3); short protein forms V292G, V326G.
Identifiers: ClinVar variation 966747 (VCV000966747.8), dbSNP rs2047942764, ClinGen allele CA339114871.

ClinVar aggregate classification (germline): Uncertain significance (1 of 4 stars; one submission).

Conditions:
Eichsfeld type congenital muscular dystrophy (CMYO3). Also called: Rigid spine muscular dystrophy 1; MYOPATHY, SEPN1-RELATED; SELENON-related myopathy; Congenital myopathy 3 with rigid spine. Identifiers: MedGen C0410180, MONDO:0100100, OMIM 602771.

Submission:

Labcorp Genetics (formerly Invitae), Labcorp
Classification: Uncertain significance for Eichsfeld type congenital muscular dystrophy. Last evaluated: 2020-12-04. Review status: criteria provided, single submitter. Criteria: Invitae Variant Classification Sherloc (09022015). Collection method: clinical testing. Allele origin: germline.
Comment: In summary, the available evidence is currently insufficient to determine the role of this variant in disease. Therefore, it has been classified as a Variant of Uncertain Significance. Algorithms developed to predict the effect of missense changes on protein structure and function are either unavailable or do not agree on the potential impact of this missense change (SIFT: "Deleterious"; PolyPhen-2: "Possibly Damaging"; Align-GVGD: "Class C0"). This variant has not been reported in the literature in individuals with SELENON-related conditions. ClinVar contains an entry for this variant (Variation ID: 966747). This variant is not present in population databases (ExAC no frequency). This sequence change replaces valine with glycine at codon 326 of the SELENON protein (p.Val326Gly). The valine residue is moderately conserved and there is a moderate physicochemical difference between valine and glycine.